The following is an entry in ClinVar:

ClinVar aggregate classification (germline): Uncertain significance. Review status: criteria provided, multiple submitters, no conflicts (2 of 4 stars). 2 submissions from 2 submitters: Uncertain significance (2). Last evaluated 2024-02-16.

Conditions:
Familial thoracic aortic aneurysm and aortic dissection (TAAD). Also called: Thoracic aortic aneurysms and dissections. Identifiers: Orphanet 91387, MedGen C4707243, MONDO:0019625.
Aortic aneurysm, familial thoracic 8 (AAT8). Identifiers: MedGen C3809513, MONDO:0014187, OMIM 615436.

Submissions (2):

Ambry Genetics
Classification: Uncertain significance for Familial thoracic aortic aneurysm and aortic dissection. Last evaluated: 2024-02-16. Review status: criteria provided, single submitter. Criteria: Ambry Variant Classification Scheme 2023. Collection method: clinical testing. Allele origin: germline.
Comment: The p.M216I variant (also known as c.648G>C), located in coding exon 4 of the PRKG1 gene, results from a G to C substitution at nucleotide position 648. The methionine at codon 216 is replaced by isoleucine, an amino acid with highly similar properties. This amino acid position is conserved. In addition, this alteration is predicted to be deleterious by in silico analysis. Based on the available evidence, the clinical significance of this alteration remains unclear.

Labcorp Genetics (formerly Invitae), Labcorp
Classification: Uncertain significance for Aortic aneurysm, familial thoracic 8. Last evaluated: 2023-11-17. Review status: criteria provided, single submitter. Criteria: Invitae Variant Classification Sherloc (09022015). Collection method: clinical testing. Allele origin: germline.
Comment: This sequence change replaces methionine, which is neutral and non-polar, with isoleucine, which is neutral and non-polar, at codon 216 of the PRKG1 protein (p.Met216Ile). This variant is not present in population databases (gnomAD no frequency). This variant has not been reported in the literature in individuals affected with PRKG1-related conditions. An algorithm developed to predict the effect of missense changes on protein structure and function (PolyPhen-2) suggests that this variant is likely to be disruptive. In summary, the available evidence is currently insufficient to determine the role of this variant in disease. Therefore, it has been classified as a Variant of Uncertain Significance.

NM_006258.4(PRKG1):c.648G>C (p.Met216Ile)

Gene: PRKG1 (protein kinase cGMP-dependent 1; plus strand). Cytogenetic location: 10q21.1.
Variant type: single nucleotide variant.
Coding change: c.648G>C on transcript NM_006258.4 (MANE Select); coding-DNA position 648, G replaced by C.
Protein change: p.Met216Ile; replaces methionine 216 with isoleucine.
Molecular consequence: missense variant.
Genome position (GRCh38, 1-based): chr10:51,804,640, G>C. VCF-style: chr10-51804640-G-C. GRCh37 (hg19) VCF-style: chr10-53564400-G-C.
Other names: c.603G>C, p.Met201Ile (NM_001098512.3); c.648G>C, p.Met216Ile (NM_001374782.1); c.648G>C (NM_006258.3); short protein forms M201I, M216I.
Identifiers: ClinVar variation 2742336 (VCV002742336.4), dbSNP rs2494026776, ClinGen allele CA376530950.